The following is an entry in ClinVar:

NM_000219.6(KCNE1):c.282T>G (p.Tyr94Ter)

Gene: KCNE1 (potassium voltage-gated channel subfamily E regulatory subunit 1; minus strand). Cytogenetic location: 21q22.12.
Variant type: single nucleotide variant.
Coding change: c.282T>G on transcript NM_000219.6 (MANE Select); coding-DNA position 282, T replaced by G.
Protein change: p.Tyr94Ter; replaces tyrosine 94 with a stop codon.
Molecular consequence: nonsense.
Genome position (GRCh38, 1-based): chr21:34,449,353, A>C on the plus strand (T>G on the coding strand, the complement: KCNE1 is on the minus strand). VCF-style: chr21-34449353-A-C. GRCh37 (hg19) VCF-style: chr21-35821651-A-C.
Other names: c.282T>G, p.Tyr94Ter (NM_001127668.4, NM_001127669.4, NM_001127670.4 and 4 more transcripts); short protein forms Y94*.
Identifiers: ClinVar variation 3374526 (VCV003374526.2).

Conditions:
Long QT syndrome 5 (LQT5). Identifiers: Orphanet 101016, Orphanet 768, MedGen C1867904, MONDO:0013372, OMIM 613695.

Submission:

Roden Lab, Vanderbilt University Medical Center
No classification provided (evidence only). Condition: Long QT syndrome 5. Review status: no classification provided. Collection method: in vitro. Allele origin: not applicable. Functional consequence: Effect on ion channel function.
ClinVar note: "not provided" was previously submitted as the classification for the variant. However, the classification appeared to be based only on an observation of functional data so it was converted to no classification on 2025-07-30.